The following is an entry in ClinVar:

ClinVar aggregate classification (germline): Uncertain significance. Review status: criteria provided, multiple submitters, no conflicts (2 of 4 stars). 2 submissions from 2 submitters: Uncertain significance (2). Last evaluated 2026-01-14.

Submissions (2):

Women's Health and Genetics/Laboratory Corporation of America, LabCorp
Classification: Uncertain significance. Last evaluated: 2026-01-14. Review status: criteria provided, single submitter. Criteria: LabCorp Variant Classification Summary - May 2015. Collection method: clinical testing. Allele origin: germline.
Comment: Variant summary: PKD1 c.7146C>G (p.Ser2382Arg) results in a non-conservative amino acid change in the encoded protein sequence. Algorithms developed to predict the effect of missense changes on protein structure and function are either unavailable or do not agree on the potential impact of this missense change. The frequency data for this variant in gnomAD is considered unreliable, as metrics indicate poor data quality at this position. c.7146C>G has been observed in the presumed heterozygous state in at least 1 individual(s) affected with clinical features of autosomal dominant cystic kidney, without strong evidence for causality (example, Bekheirnia_2021). Additionally, a different variant resulting in the same p.Ser2382Arg effect was observed to segregate with ADPKD in at least 1 family (example, He_2018), however the number of affected genotype positive individuals was not specified. These report(s) do not provide unequivocal conclusions about association of the variant with PKD1-related conditions. To our knowledge, no experimental evidence demonstrating an impact on protein function has been reported. The following publications have been ascertained in the context of this evaluation (PMID: 35368817, 30333007). ClinVar contains an entry for this variant (Variation ID: 2574759). Based on the evidence outlined above, the variant was classified as uncertain significance.

GeneDx
Classification: Uncertain significance. Last evaluated: 2025-04-10. Review status: criteria provided, single submitter. Criteria: GeneDx Variant Classification Process June 2021. Collection method: clinical testing. Allele origin: germline. Affected: yes.
Comment: Reported in a patient with cystic kidney disease in published literature; however, clinical information is limited (PMID: 35368817); Not observed at significant frequency in large population cohorts (gnomAD); In silico analysis supports that this missense variant has a deleterious effect on protein structure/function; This variant is associated with the following publications: (PMID: 35368817)

Literature cited by the submitters: PubMed 35368817 (cited by Women's Health and Genetics/Laboratory Corporation of America, LabCorp); PubMed 30333007 (cited by Women's Health and Genetics/Laboratory Corporation of America, LabCorp).

NM_001009944.3(PKD1):c.7146C>G (p.Ser2382Arg)

Gene: PKD1 (polycystin 1, transient receptor potential channel interacting; minus strand). Cytogenetic location: 16p13.3.
Variant type: single nucleotide variant.
Coding change: c.7146C>G on transcript NM_001009944.3 (MANE Select); coding-DNA position 7146, C replaced by G.
Protein change: p.Ser2382Arg; replaces serine 2382 with arginine.
Molecular consequence: missense variant.
Genome position (GRCh38, 1-based): chr16:2,106,868, G>C on the plus strand (C>G on the coding strand, the complement: PKD1 is on the minus strand). VCF-style: chr16-2106868-G-C. GRCh37 (hg19) VCF-style: chr16-2156869-G-C.
Other names: c.7146C>G, p.Ser2382Arg (NM_000296.4); short protein forms S2382R.
Identifiers: ClinVar variation 2574759 (VCV002574759.3), dbSNP rs1385381682, ClinGen allele CA394371826.